The following is an entry in ClinVar:

ClinVar aggregate classification (germline): Likely pathogenic (1 of 4 stars; one submission).

Submission:

Labcorp Genetics (formerly Invitae), Labcorp
Classification: Likely pathogenic. Last evaluated: 2022-12-16. Review status: criteria provided, single submitter. Criteria: Invitae Variant Classification Sherloc (09022015). Collection method: clinical testing. Allele origin: germline.
Comment: In summary, the currently available evidence indicates that the variant is pathogenic, but additional data are needed to prove that conclusively. Therefore, this variant has been classified as Likely Pathogenic. This variant disrupts a region of the COL11A1 protein in which other variant(s) (p.Gly532Cys) have been observed in individuals with COL11A1-related conditions (Invitae). This suggests that this is a clinically significant region of the protein, and that variants that disrupt it are likely to be disease-causing. Experimental studies and prediction algorithms are not available or were not evaluated, and the functional significance of this variant is currently unknown. A similar copy number variant has been observed in individual(s) with clinical features of Stickler syndrome (Invitae). It has also been observed to segregate with disease in related individuals. This variant is a gross deletion of the genomic region encompassing exon(s) 5-15 of the COL11A1 gene. This variant would be expected to be in-frame, preserving the integrity of the reading frame.

NC_000001.10:g.(?_103473999)_(103496820_?)del

Gene: COL11A1 (collagen type XI alpha 1 chain; minus strand). Cytogenetic location: 1p21.1.
Variant type: Deletion.
Identifiers: ClinVar variation 2424279 (VCV002424279.3).